The following is an entry in ClinVar:

ClinVar aggregate classification (germline): Uncertain significance. Review status: criteria provided, multiple submitters, no conflicts (2 of 4 stars). 2 submissions from 2 submitters: Uncertain significance (2). Last evaluated 2024-08-01.

Conditions:
Developmental and epileptic encephalopathy, 9 (DEE9). Also called: JUBERG-HELLMAN SYNDROME; PCDH19-Related X-Linked Female-Limited Epilepsy with Mental Retardation; Early infantile epileptic encephalopathy 9; EPILEPSY, FEMALE-RESTRICTED, WITH MENTAL RETARDATION. Identifiers: Orphanet 101039, Orphanet 2076, MedGen C1848137, MONDO:0010246, OMIM 300088. Disease mechanism: loss of function.

Allele frequency attached by ClinVar (database versions not stated): TOPMed below 0.00001; gnomAD exomes 0.00001.
gnomAD v4.1: 4 of 1,205,787 alleles (0.00033%); highest among the groups gnomAD compares: Non-Finnish European, 0.00045%; no homozygotes.

Submissions (2):

CeGaT Center for Human Genetics Tuebingen
Classification: Uncertain significance. Last evaluated: 2024-08-01. Review status: criteria provided, single submitter. Criteria: CeGaT Center For Human Genetics Tuebingen Variant Classification Criteria Version 2. Collection method: clinical testing. Allele origin: germline. Affected: yes. Observed: 1 variant allele.
Comment: PCDH19: PP2, BP4

Labcorp Genetics (formerly Invitae), Labcorp
Classification: Uncertain significance for Developmental and epileptic encephalopathy, 9. Last evaluated: 2024-02-01. Review status: criteria provided, single submitter. Criteria: Invitae Variant Classification Sherloc (09022015). Collection method: clinical testing. Allele origin: germline.
Comment: This sequence change replaces arginine, which is basic and polar, with glycine, which is neutral and non-polar, at codon 56 of the PCDH19 protein (p.Arg56Gly). This variant is present in population databases (no rsID available, gnomAD 0.004%). This variant has not been reported in the literature in individuals affected with PCDH19-related conditions. Advanced modeling of protein sequence and biophysical properties (such as structural, functional, and spatial information, amino acid conservation, physicochemical variation, residue mobility, and thermodynamic stability) performed at Invitae indicates that this missense variant is not expected to disrupt PCDH19 protein function with a negative predictive value of 95%. In summary, the available evidence is currently insufficient to determine the role of this variant in disease. Therefore, it has been classified as a Variant of Uncertain Significance.

NM_001184880.2(PCDH19):c.166C>G (p.Arg56Gly)

Gene: PCDH19 (protocadherin 19; minus strand). Cytogenetic location: Xq22.1.
Variant type: single nucleotide variant.
Coding change: c.166C>G on transcript NM_001184880.2 (MANE Select); coding-DNA position 166, C replaced by G.
Protein change: p.Arg56Gly; replaces arginine 56 with glycine.
Molecular consequence: missense variant.
Genome position (GRCh38, 1-based): chrX:100,408,432, G>C on the plus strand (C>G on the coding strand, the complement: PCDH19 is on the minus strand). VCF-style: chrX-100408432-G-C. GRCh37 (hg19) VCF-style: chrX-99663430-G-C.
Other names: c.166C>G, p.Arg56Gly (NM_001105243.2, NM_020766.3); short protein forms R56G.
Identifiers: ClinVar variation 2792958 (VCV002792958.19), dbSNP rs940541141, ClinGen allele CA333826109.